The following is an entry in ClinVar:

ClinVar aggregate classification (germline): Uncertain significance (1 of 4 stars; one submission).

gnomAD v4.1: 6 of 1,614,076 alleles (0.00037%); highest among the groups gnomAD compares: Non-Finnish European, 0.00051%; no homozygotes.

Submission:

Labcorp Genetics (formerly Invitae), Labcorp
Classification: Uncertain significance. Last evaluated: 2026-01-21. Review status: criteria provided, single submitter. Criteria: Invitae Variant Classification Sherloc (09022015). Collection method: clinical testing. Allele origin: germline.
Comment: This sequence change replaces lysine, which is basic and polar, with asparagine, which is neutral and polar, at codon 1136 of the SETBP1 protein (p.Lys1136Asn). This variant is not present in population databases (gnomAD no frequency). This variant has not been reported in the literature in individuals affected with SETBP1-related conditions. ClinVar contains an entry for this variant (Variation ID: 1958558). Invitae Evidence Modeling of protein sequence and biophysical properties (such as structural, functional, and spatial information, amino acid conservation, physicochemical variation, residue mobility, and thermodynamic stability) indicates that this missense variant is not expected to disrupt SETBP1 protein function with a negative predictive value of 80%. In summary, the available evidence is currently insufficient to determine the role of this variant in disease. Therefore, it has been classified as a Variant of Uncertain Significance.

NM_015559.3(SETBP1):c.3408G>C (p.Lys1136Asn)

Gene: SETBP1 (SET binding protein 1; plus strand). Cytogenetic location: 18q12.3.
Variant type: single nucleotide variant.
Coding change: c.3408G>C on transcript NM_015559.3 (MANE Select); coding-DNA position 3408, G replaced by C.
Protein change: p.Lys1136Asn; replaces lysine 1136 with asparagine.
Molecular consequence: missense variant.
Genome position (GRCh38, 1-based): chr18:44,952,748, G>C. VCF-style: chr18-44952748-G-C. GRCh37 (hg19) VCF-style: chr18-42532713-G-C.
Other names: c.3408G>C, p.Lys1136Asn (NM_001379141.1, NM_001379142.1, NM_001410862.1); short protein forms K1136N.
Identifiers: ClinVar variation 1958558 (VCV001958558.5), dbSNP rs745542320, ClinGen allele CA402324362.